The following is an entry in ClinVar:

NM_000350.3(ABCA4):c.2160+470T>C

Gene: ABCA4 (ATP binding cassette subfamily A member 4; minus strand). Cytogenetic location: 1p22.1.
Variant type: single nucleotide variant.
Coding change: c.2160+470T>C on transcript NM_000350.3 (MANE Select); 470 bases into the intron after coding-DNA position 2160, T replaced by C.
Molecular consequence: intron variant.
Genome position (GRCh38, 1-based): chr1:94,060,067, A>G on the plus strand (T>C on the coding strand, the complement: ABCA4 is on the minus strand). VCF-style: chr1-94060067-A-G. GRCh37 (hg19) VCF-style: chr1-94525623-A-G.
Identifiers: ClinVar variation 680452 (VCV000680452.1), dbSNP rs521538, ClinGen allele CA15142393.
Genomic context (GRCh38, chr1:94,060,067, plus strand): 5'-GGAGCTTTTTCAGGCAGCAGAATGTTTTTTGGTGAAGCCATGTAGGAGGTGACCATGATG[A>G]TGATAAGTAAATAATCCAGATCTCCTCCCCTACTGCTACTGAAAAGGCAAAAGGCTTTCC-3'

ClinVar aggregate classification (germline): Benign (1 of 4 stars; one submission).

Allele frequency attached by ClinVar (database versions not stated): TOPMed 0.68607; 1000 Genomes Project 30x 0.69457; gnomAD 0.70254 and 0.70630; 1000 Genomes Project 0.70467.
gnomAD v4.1: 107,540 of 152,100 alleles (71%); highest among the groups gnomAD compares: East Asian, 92%; 38,974 homozygotes.

Submission:

GeneDx
Classification: Benign. Last evaluated: 2018-06-19. Review status: criteria provided, single submitter. Criteria: GeneDx Variant Classification (06012015). Collection method: clinical testing. Allele origin: germline. Affected: yes.
Comment: This variant is considered likely benign or benign based on one or more of the following criteria: it is a conservative change, it occurs at a poorly conserved position in the protein, it is predicted to be benign by multiple in silico algorithms, and/or has population frequency not consistent with disease.